The following is an entry in ClinVar:

ClinVar aggregate classification (germline): Likely pathogenic (1 of 4 stars; one submission).

Conditions:
Dilated cardiomyopathy 1G (CMD1G). Identifiers: Orphanet 154, MedGen C1858763, MONDO:0011400, OMIM 604145.
Autosomal recessive limb-girdle muscular dystrophy type 2J (LGMDR10). Also called: MUSCULAR DYSTROPHY, LIMB-GIRDLE, AUTOSOMAL RECESSIVE 10; Limb-girdle muscular dystrophy, type 2J. Identifiers: Orphanet 140922, MedGen C1837342, MONDO:0012127, OMIM 608807.

Submission:

Labcorp Genetics (formerly Invitae), Labcorp
Classification: Likely pathogenic for Dilated cardiomyopathy 1G; Autosomal recessive limb-girdle muscular dystrophy type 2J. Last evaluated: 2024-10-18. Review status: criteria provided, single submitter. Criteria: Invitae Variant Classification Sherloc (09022015). Collection method: clinical testing. Allele origin: germline.
Comment: This sequence change affects a donor splice site in intron 9 of the TTN gene. It is expected to disrupt RNA splicing and likely results in a truncated or disrupted TTN protein. This variant is not present in population databases (gnomAD no frequency). This variant has not been reported in the literature in individuals affected with TTN-related conditions. ClinVar contains an entry for this variant (Variation ID: 944742). Algorithms developed to predict the effect of sequence changes on RNA splicing suggest that this variant may disrupt the consensus splice site. This variant is located in the Z band of TTN (PMID: 25589632). Truncating variants in this region have been reported in individuals affected with autosomal recessive centronuclear myopathy (PMID: 33449170, internal data). Truncating variants in this region have also been identified in individuals affected with autosomal dominant dilated cardiomyopathy and/or cardio-related conditions (PMID: 27869827, 32964742, internal data). In summary, the currently available evidence indicates that the variant is pathogenic, but additional data are needed to prove that conclusively. Therefore, this variant has been classified as Likely Pathogenic.

Literature cited by the submitters: PubMed 25589632; PubMed 33449170; PubMed 27869827; PubMed 32964742.

NM_001267550.2(TTN):c.1536+1G>A

Gene: TTN (titin; minus strand). Cytogenetic location: 2q31.2.
Variant type: single nucleotide variant.
Coding change: c.1536+1G>A on transcript NM_001267550.2 (MANE Select); the canonical splice donor site of the intron after coding-DNA position 1536, G replaced by A.
Molecular consequence: splice donor variant.
Genome position (GRCh38, 1-based): chr2:178,793,403, C>T on the plus strand (G>A on the coding strand, the complement: TTN is on the minus strand). VCF-style: chr2-178793403-C-T. GRCh37 (hg19) VCF-style: chr2-179658130-C-T.
Other names: c.1536+1G>A (NM_003319.4, NM_133437.4, NM_133432.3 and 3 more transcripts).
Identifiers: ClinVar variation 944742 (VCV000944742.10), dbSNP rs2093614668, ClinGen allele CA349512365.